The following is an entry in ClinVar:

NM_001793.6(CDH3):c.308G>A (p.Arg103Gln)

Gene: CDH3 (cadherin 3; plus strand). Cytogenetic location: 16q22.1.
Variant type: single nucleotide variant.
Coding change: c.308G>A on transcript NM_001793.6 (MANE Select); coding-DNA position 308, G replaced by A.
Protein change: p.Arg103Gln; replaces arginine 103 with glutamine.
Molecular consequence: missense variant.
Genome position (GRCh38, 1-based): chr16:68,678,195, G>A. VCF-style: chr16-68678195-G-A. GRCh37 (hg19) VCF-style: chr16-68712098-G-A.
Other names: c.308G>A, p.Arg103Gln (NM_001317195.3); c.143G>A, p.Arg48Gln (NM_001317196.2); short protein forms R103Q, R48Q.
Identifiers: ClinVar variation 999535 (VCV000999535.10), dbSNP rs375403917, ClinGen allele CA8128992.

ClinVar aggregate classification (germline): Uncertain significance. Review status: criteria provided, multiple submitters, no conflicts (2 of 4 stars). 2 submissions from 2 submitters: Uncertain significance (2). Last evaluated 2024-08-13.

Allele frequency attached by ClinVar (database versions not stated): gnomAD 0.00001 and 0.00003; TOPMed 0.00001; gnomAD exomes 0.00003; ExAC 0.00005; ESP Exome Variant Server 0.00008; 1000 Genomes Project 30x 0.00031; 1000 Genomes Project 0.00040.
gnomAD v4.1: 51 of 1,613,722 alleles (0.0032%); highest among the groups gnomAD compares: South Asian, 0.02%; 1 homozygote.

Submissions (2):

Blueprint Genetics
Classification: Uncertain significance. Last evaluated: 2024-08-13. Review status: criteria provided, single submitter. Criteria: ACMG Guidelines, 2015. Collection method: clinical testing. Allele origin: germline.

Labcorp Genetics (formerly Invitae), Labcorp
Classification: Uncertain significance. Last evaluated: 2024-01-31. Review status: criteria provided, single submitter. Criteria: Invitae Variant Classification Sherloc (09022015). Collection method: clinical testing. Allele origin: germline.
Comment: This sequence change replaces arginine, which is basic and polar, with glutamine, which is neutral and polar, at codon 103 of the CDH3 protein (p.Arg103Gln). This variant is present in population databases (rs375403917, gnomAD 0.01%). This variant has not been reported in the literature in individuals affected with CDH3-related conditions. ClinVar contains an entry for this variant (Variation ID: 999535). Algorithms developed to predict the effect of missense changes on protein structure and function output the following: SIFT: "Not Available"; PolyPhen-2: "Benign"; Align-GVGD: "Not Available". The glutamine amino acid residue is found in multiple mammalian species, which suggests that this missense change does not adversely affect protein function. In summary, the available evidence is currently insufficient to determine the role of this variant in disease. Therefore, it has been classified as a Variant of Uncertain Significance.